The following is an entry in ClinVar:

NM_152545.3(RASGEF1B):c.826-6G>A

Gene: RASGEF1B (RasGEF domain family member 1B; minus strand). Cytogenetic location: 4q21.21.
Variant type: single nucleotide variant.
Coding change: c.826-6G>A on transcript NM_152545.3 (MANE Select); 6 bases into the intron before coding-DNA position 826, G replaced by A.
Molecular consequence: intron variant.
Genome position (GRCh38, 1-based): chr4:81,445,634, C>T on the plus strand (G>A on the coding strand, the complement: RASGEF1B is on the minus strand). VCF-style: chr4-81445634-C-T. GRCh37 (hg19) VCF-style: chr4-82366788-C-T.
Other names: c.700-6G>A (NM_001300736.2); c.823-6G>A (NM_001300735.2).
Identifiers: ClinVar variation 3059809 (VCV003059809.2), dbSNP rs28560455, ClinGen allele CA2984233.

ClinVar aggregate classification (germline): Benign (0 of 4 stars; one submission).

Conditions:
RASGEF1B-related disorder. Also called: RASGEF1B-related condition.

Allele frequency attached by ClinVar (database versions not stated): gnomAD exomes 0.13262; ExAC 0.13832; 1000 Genomes Project 0.20807; 1000 Genomes Project 30x 0.21830; gnomAD 0.22274; TOPMed 0.22920; ESP Exome Variant Server 0.24881.
gnomAD v4.1: 226,997 of 1,608,228 alleles (14%); highest among the groups gnomAD compares: African/African-American, 50%; 22,120 homozygotes.

Submission:

PreventionGenetics, part of Exact Sciences
Classification: Benign for RASGEF1B-related condition. Last evaluated: 2019-10-29. Review status: no assertion criteria provided. Collection method: clinical testing. Allele origin: germline.
Comment: This variant is classified as benign based on ACMG/AMP sequence variant interpretation guidelines (Richards et al. 2015 PMID: 25741868, with internal and published modifications).